The following is an entry in ClinVar:

NM_001166108.2(PALLD):c.1965-13005C>A

Gene: PALLD (palladin, cytoskeletal associated protein; plus strand). Cytogenetic location: 4q32.3.
Variant type: single nucleotide variant.
Coding change: c.1965-13005C>A on transcript NM_001166108.2 (MANE Select); 13005 bases into the intron before coding-DNA position 1965, C replaced by A.
Molecular consequence: intron variant. On other transcripts: missense variant (1).
Genome position (GRCh38, 1-based): chr4:168,877,917, C>A. VCF-style: chr4-168877917-C-A. GRCh37 (hg19) VCF-style: chr4-169799068-C-A.
Other names: c.26C>A, p.Ala9Asp (NM_001166110.2); c.1965-13005C>A (NM_016081.4); c.819-13005C>A (NM_001166109.2); c.-157-13005C>A (NM_001367570.1, NM_001367568.1, NM_001367567.1 and 1 more transcripts); short protein forms A9D.
Identifiers: ClinVar variation 5026227 (VCV005026227.1).

ClinVar aggregate classification (germline): Uncertain significance (1 of 4 stars; one submission).

Submission:

Ambry Genetics
Classification: Uncertain significance. Last evaluated: 2026-07-21. Review status: criteria provided, single submitter. Criteria: Ambry Variant Classification Scheme 2023. Collection method: clinical testing. Allele origin: germline.
Comment: The p.A9D variant (also known as c.26C>A), located in coding exon 1 of the PALLD gene, results from a C to A substitution at nucleotide position 26. The alanine at codon 9 is replaced by aspartic acid, an amino acid with dissimilar properties. This amino acid position is conserved. In addition, this alteration is predicted to be tolerated by in silico analysis. Based on the available evidence, the clinical significance of this variant remains unclear.